The following is an entry in ClinVar:

NM_145166.4(ZBTB47):c.1526A>G (p.Asn509Ser)

Gene: ZBTB47 (zinc finger and BTB domain containing 47; plus strand). Cytogenetic location: 3p22.1.
Variant type: single nucleotide variant.
Coding change: c.1526A>G on transcript NM_145166.4 (MANE Select); coding-DNA position 1526, A replaced by G.
Protein change: p.Asn509Ser; replaces asparagine 509 with serine.
Molecular consequence: missense variant.
Genome position (GRCh38, 1-based): chr3:42,661,537, A>G. VCF-style: chr3-42661537-A-G. GRCh37 (hg19) VCF-style: chr3-42703029-A-G.
Other names: c.1610A>G, p.Asn537Ser (NM_001410746.1); c.1526A>G (NM_145166.3); short protein forms N509S, N537S.
Identifiers: ClinVar variation 4533565 (VCV004533565.7).

ClinVar aggregate classification (germline): Likely benign. Review status: criteria provided, multiple submitters, no conflicts (2 of 4 stars). 2 submissions from 2 submitters: Likely benign (2). Last evaluated 2026-07-01.

Conditions:
ZBTB47-related condition.

gnomAD v4.1: 3,373 of 1,614,058 alleles (0.21%); highest among the groups gnomAD compares: Non-Finnish European, 0.26%; 12 homozygotes.

Submissions (2):

CeGaT Center for Human Genetics Tuebingen
Classification: Likely benign. Last evaluated: 2026-07-01. Review status: criteria provided, single submitter. Criteria: CeGaT Center For Human Genetics Tuebingen Variant Classification Criteria Version 2. Collection method: clinical testing. Allele origin: germline. Affected: yes. Observed: 2 variant alleles.
Comment: ZBTB47: BS2

PreventionGenetics, part of Exact Sciences
Classification: Likely benign for ZBTB47-related condition. Last evaluated: 2025-07-23. Review status: criteria provided, single submitter. Criteria: ACMG Guidelines, 2015. Collection method: clinical testing. Allele origin: germline.
Comment: This variant is classified as likely benign based on ACMG/AMP sequence variant interpretation guidelines (Richards et al. 2015 PMID: 25741868, with internal and published modifications).